The following is an entry in ClinVar:

ClinVar aggregate classification (germline): Uncertain significance (1 of 4 stars; one submission).

Allele frequency attached by ClinVar (database versions not stated): TOPMed below 0.00001; gnomAD 0.00002.
gnomAD v4.1: 9 of 1,613,956 alleles (0.00056%); highest among the groups gnomAD compares: Admixed American, 0.0067%; no homozygotes.

Submission:

Labcorp Genetics (formerly Invitae), Labcorp
Classification: Uncertain significance. Last evaluated: 2025-03-31. Review status: criteria provided, single submitter. Criteria: Invitae Variant Classification Sherloc (09022015). Collection method: clinical testing. Allele origin: germline.
Comment: This sequence change replaces leucine, which is neutral and non-polar, with phenylalanine, which is neutral and non-polar, at codon 2174 of the MYO7A protein (p.Leu2174Phe). This variant is present in population databases (no rsID available, gnomAD 0.003%). This variant has not been reported in the literature in individuals affected with MYO7A-related conditions. ClinVar contains an entry for this variant (Variation ID: 1982099). Invitae Evidence Modeling of protein sequence and biophysical properties (such as structural, functional, and spatial information, amino acid conservation, physicochemical variation, residue mobility, and thermodynamic stability) indicates that this missense variant is not expected to disrupt MYO7A protein function with a negative predictive value of 95%. In summary, the available evidence is currently insufficient to determine the role of this variant in disease. Therefore, it has been classified as a Variant of Uncertain Significance.

NM_000260.4(MYO7A):c.6522G>C (p.Leu2174Phe)

Gene: MYO7A (myosin VIIA; plus strand). Cytogenetic location: 11q13.5.
Variant type: single nucleotide variant.
Coding change: c.6522G>C on transcript NM_000260.4 (MANE Select); coding-DNA position 6522, G replaced by C.
Protein change: p.Leu2174Phe; replaces leucine 2174 with phenylalanine.
Molecular consequence: missense variant.
Genome position (GRCh38, 1-based): chr11:77,213,943, G>C. VCF-style: chr11-77213943-G-C. GRCh37 (hg19) VCF-style: chr11-76924988-G-C.
Other names: c.6402G>C, p.Leu2134Phe (NM_001127180.2); c.6375G>C, p.Leu2125Phe (NM_001369365.1); short protein forms L2125F, L2134F, L2174F.
Identifiers: ClinVar variation 1982099 (VCV001982099.3), dbSNP rs1481841012, ClinGen allele CA381938118.
Genomic context (GRCh38, chr11:77,213,943, plus strand): 5'-CACCAAGATCTCCAACTGGAGCAGCGGCAACACCTACTTCCACATCACCATTGGGAACTT[G>C]GTGCGCGGGAGCAAACTGCTCTGCGAGACGTCACTGGTGAGGGCGCATCCTGCTGGGCCT-3'
Protein context (NP_000251.3, residues 2164-2184): NTYFHITIGN[Leu2174Phe]VRGSKLLCET